The following is an entry in ClinVar:

NM_000465.4(BARD1):c.928T>C (p.Ser310Pro)

Gene: BARD1 (BRCA1 associated RING domain 1; minus strand). Cytogenetic location: 2q35.
Variant type: single nucleotide variant.
Coding change: c.928T>C on transcript NM_000465.4 (MANE Select); coding-DNA position 928, T replaced by C.
Protein change: p.Ser310Pro; replaces serine 310 with proline.
Molecular consequence: missense variant. On other transcripts: non-coding transcript variant (2), intron variant (3).
Genome position (GRCh38, 1-based): chr2:214,780,946, A>G on the plus strand (T>C on the coding strand, the complement: BARD1 is on the minus strand). VCF-style: chr2-214780946-A-G. GRCh37 (hg19) VCF-style: chr2-215645670-A-G.
Other names: c.928T>C (NM_000465.2); c.871T>C, p.Ser291Pro (NM_001282543.2); c.159-28391T>C (NM_001282548.2); c.215+16115T>C (NM_001282545.2); c.364+11351T>C (NM_001282549.2); short protein forms S291P, S310P.
Identifiers: ClinVar variation 1973998 (VCV001973998.8), dbSNP rs886041139, ClinGen allele CA350455007.

ClinVar aggregate classification (germline): Conflicting classifications of pathogenicity. Review status: criteria provided, conflicting classifications (1 of 4 stars). 3 submissions from 3 submitters: Uncertain significance (2); Likely benign (1). Last evaluated 2026-04-07.

Conditions:
Hereditary cancer-predisposing syndrome. Also called: Neoplastic Syndromes, Hereditary; Tumor predisposition; Hereditary neoplastic syndrome; Hereditary Cancer Syndrome. Identifiers: Orphanet 140162, MedGen C0027672, MeSH D009386, MONDO:0015356.
Familial cancer of breast. Also called: BREAST CANCER, FAMILIAL; Hereditary breast cancer; hereditary breast carcinoma. Identifiers: Orphanet 227535, MedGen C0346153, MONDO:0016419, OMIM 114480. Disease mechanism: loss of function.

Submissions (3):

Dasa
Classification: Uncertain significance. Last evaluated: 2026-04-07. Review status: criteria provided, single submitter. Criteria: DASA Assertion Criteria. Collection method: clinical testing. Allele origin: germline.
Comment: NM_000465.4(BARD1):c.928T>C (p.Ser310Pro) is a missense variant that results in the substitution of serine with proline. This variant is rare in population databases. Computational prediction algorithms are consistent with a benign effect. The currently available literature and clinical evidence are not sufficient to establish a definitive association between this variant and the reported condition. Therefore, this variant is classified as a variant of uncertain significance.

Ambry Genetics
Classification: Likely benign for Hereditary cancer-predisposing syndrome. Last evaluated: 2024-10-10. Review status: criteria provided, single submitter. Criteria: Ambry Variant Classification Scheme 2023. Collection method: clinical testing. Allele origin: germline.

Labcorp Genetics (formerly Invitae), Labcorp
Classification: Uncertain significance for Familial cancer of breast. Last evaluated: 2022-05-11. Review status: criteria provided, single submitter. Criteria: Invitae Variant Classification Sherloc (09022015). Collection method: clinical testing. Allele origin: germline.
Comment: In summary, the available evidence is currently insufficient to determine the role of this variant in disease. Therefore, it has been classified as a Variant of Uncertain Significance. Algorithms developed to predict the effect of missense changes on protein structure and function output the following: SIFT: "Tolerated"; PolyPhen-2: "Benign"; Align-GVGD: "Class C0". The proline amino acid residue is found in multiple mammalian species, which suggests that this missense change does not adversely affect protein function. This variant has not been reported in the literature in individuals affected with BARD1-related conditions. This variant is not present in population databases (gnomAD no frequency). This sequence change replaces serine, which is neutral and polar, with proline, which is neutral and non-polar, at codon 310 of the BARD1 protein (p.Ser310Pro).